The following is an entry in ClinVar:

NM_000562.3(C8A):c.536C>A (p.Thr179Lys)

Gene: C8A (complement C8 alpha chain; plus strand). Cytogenetic location: 1p32.2.
Variant type: single nucleotide variant.
Coding change: c.536C>A on transcript NM_000562.3 (MANE Select); coding-DNA position 536, C replaced by A.
Protein change: p.Thr179Lys; replaces threonine 179 with lysine.
Molecular consequence: missense variant.
Genome position (GRCh38, 1-based): chr1:56,881,516, C>A. VCF-style: chr1-56881516-C-A. GRCh37 (hg19) VCF-style: chr1-57347189-C-A.
Other names: short protein forms T179K.
Identifiers: ClinVar variation 1523752 (VCV001523752.8), dbSNP rs140970213, ClinGen allele CA340514566.

ClinVar aggregate classification (germline): Uncertain significance (1 of 4 stars; one submission).

Submission:

Labcorp Genetics (formerly Invitae), Labcorp
Classification: Uncertain significance. Last evaluated: 2022-06-13. Review status: criteria provided, single submitter. Criteria: Invitae Variant Classification Sherloc (09022015). Collection method: clinical testing. Allele origin: germline.
Comment: This sequence change replaces threonine, which is neutral and polar, with lysine, which is basic and polar, at codon 179 of the C8A protein (p.Thr179Lys). This variant is not present in population databases (gnomAD no frequency). This variant has not been reported in the literature in individuals affected with C8A-related conditions. Algorithms developed to predict the effect of missense changes on protein structure and function (SIFT, PolyPhen-2, Align-GVGD) all suggest that this variant is likely to be tolerated. In summary, the available evidence is currently insufficient to determine the role of this variant in disease. Therefore, it has been classified as a Variant of Uncertain Significance.